The following is an entry in ClinVar:

ClinVar aggregate classification (germline): Likely benign (0 of 4 stars; one submission).

Conditions:
INTS2-related disorder. Also called: INTS2-related condition.

Allele frequency attached by ClinVar (database versions not stated): 1000 Genomes Project 0.00100; 1000 Genomes Project 30x 0.00125; ESP Exome Variant Server 0.00292; gnomAD 0.00307; ExAC 0.00309; TOPMed 0.00312.
gnomAD v4.1: 7,955 of 1,610,680 alleles (0.49%); highest among the groups gnomAD compares: Non-Finnish European, 0.62%; 19 homozygotes.

Submission:

PreventionGenetics, part of Exact Sciences
Classification: Likely benign for INTS2-related condition. Last evaluated: 2023-06-05. Review status: no assertion criteria provided. Collection method: clinical testing. Allele origin: germline.
Comment: This variant is classified as likely benign based on ACMG/AMP sequence variant interpretation guidelines (Richards et al. 2015 PMID: 25741868, with internal and published modifications).

NM_001351695.2(INTS2):c.432+5A>G

Gene: INTS2 (integrator complex subunit 2; minus strand). Cytogenetic location: 17q23.2.
Variant type: single nucleotide variant.
Coding change: c.432+5A>G on transcript NM_001351695.2 (MANE Select); 5 bases into the intron after coding-DNA position 432, A replaced by G.
Molecular consequence: intron variant.
Genome position (GRCh38, 1-based): chr17:61,924,956, T>C on the plus strand (A>G on the coding strand, the complement: INTS2 is on the minus strand). VCF-style: chr17-61924956-T-C. GRCh37 (hg19) VCF-style: chr17-60002317-T-C.
Other names: c.456+5A>G (NM_020748.4); c.432+5A>G (NM_001330417.2).
Identifiers: ClinVar variation 3050653 (VCV003050653.2), dbSNP rs61751979, ClinGen allele CA8691769.
Genomic context (GRCh38, chr17:61,924,956, plus strand): 5'-GTCTACCTCCCTATACATAGACATCAAATCATGCATACTTTGAGCTGTGGTTAAAAGAAA[T>C]GCACCTTGTTCATAATTGCCAACAGTTCACTAAGCACAAGACGCAATCGACGAGGTGAAT-3'